The following is an entry in ClinVar:

NM_004006.3(DMD):c.9173del (p.Gln3058fs)

Gene: DMD (dystrophin; minus strand). Cytogenetic location: Xp21.2.
Variant type: Deletion.
Coding change: c.9173del on transcript NM_004006.3 (MANE Select); coding-DNA position 9173, one base deleted (A; older notation c.9173delA).
Protein change: p.Gln3058fs; shifts the reading frame from glutamine 3058.
Molecular consequence: frameshift variant.
Genome position (GRCh38, 1-based): chrX:31,323,649, T deleted on the plus strand (A on the coding strand, the reverse complement: DMD is on the minus strand). VCF-style (leftmost placement, unchanged base first): chrX-31323648-CT-C. GRCh37 (hg19) VCF-style: chrX-31341765-CT-C.
Other names: c.9149del, p.Gln3050fs (NM_000109.4); c.9161del, p.Gln3054fs (NM_004009.3); c.8804del, p.Gln2935fs (NM_004010.3); c.5150del, p.Gln1717fs (NM_004011.4); c.5141del, p.Gln1714fs (NM_004012.4); c.1793del, p.Gln598fs (NM_004013.3, NM_004020.4, NM_004021.3 and 2 more transcripts); c.986del, p.Gln329fs (NM_004014.3); short protein forms Q1714fs, Q1717fs, Q2935fs, Q3050fs, Q3054fs, Q3058fs, Q329fs, Q598fs.
Identifiers: ClinVar variation 1322472 (VCV001322472.6), dbSNP rs2148297423, ClinGen allele CA2573055248.
Genomic context (GRCh38, chrX:31,323,648, plus strand): 5'-TCCAACTTACTTGATATAGTAGGGCACTTTGTTTGGCGAGATGGCTCTCTCCCAGGGACC[CT>C]GGACAGACGCTGAAAAGAAGGGAGGAAAAAAAGAAAGGCAAGGAGGTCAAATTCATCGCA-3'

ClinVar aggregate classification (germline): Pathogenic (1 of 4 stars; one submission).

Conditions:
Duchenne muscular dystrophy (DMD). Also called: MUSCULAR DYSTROPHY, PSEUDOHYPERTROPHIC PROGRESSIVE, DUCHENNE TYPE; Duchenne Muscular Dystrophy (DMD). Identifiers: Orphanet 98896, MedGen C0013264, MONDO:0010679, OMIM 310200.

Submission:

Labcorp Genetics (formerly Invitae), Labcorp
Classification: Pathogenic for Duchenne muscular dystrophy. Last evaluated: 2022-04-20. Review status: criteria provided, single submitter. Criteria: Invitae Variant Classification Sherloc (09022015). Collection method: clinical testing. Allele origin: germline.
Comment: This premature translational stop signal has been observed in individual(s) with Duchenne muscular dystrophy (PMID: 28859693). For these reasons, this variant has been classified as Pathogenic. ClinVar contains an entry for this variant (Variation ID: 1322472). This variant is not present in population databases (gnomAD no frequency). This sequence change creates a premature translational stop signal (p.Gln3058Argfs*31) in the DMD gene. It is expected to result in an absent or disrupted protein product. Loss-of-function variants in DMD are known to be pathogenic (PMID: 16770791, 25007885).

Literature cited by the submitters: PubMed 28859693; PubMed 16770791; PubMed 25007885.